The following is an entry in ClinVar:

ClinVar aggregate classification (germline): Likely pathogenic (1 of 4 stars; one submission).

Conditions:
Duchenne muscular dystrophy (DMD). Also called: MUSCULAR DYSTROPHY, PSEUDOHYPERTROPHIC PROGRESSIVE, DUCHENNE TYPE; Duchenne Muscular Dystrophy (DMD). Identifiers: Orphanet 98896, MedGen C0013264, MONDO:0010679, OMIM 310200.

Submission:

Labcorp Genetics (formerly Invitae), Labcorp
Classification: Likely pathogenic for Duchenne muscular dystrophy. Last evaluated: 2023-02-07. Review status: criteria provided, single submitter. Criteria: Invitae Variant Classification Sherloc (09022015). Collection method: clinical testing. Allele origin: germline.
Comment: This variant results in the deletion of part of exon 71 (c.10224-6_10249delinsACT) of the DMD gene. It is expected to disrupt RNA splicing. Variants that disrupt the donor or acceptor splice site typically lead to a loss of protein function (PMID: 16199547), and loss-of-function variants in DMD are known to be pathogenic (PMID: 16770791, 25007885). This variant is not present in population databases (gnomAD no frequency). This variant has not been reported in the literature in individuals affected with DMD-related conditions. In summary, the currently available evidence indicates that the variant is pathogenic, but additional data are needed to prove that conclusively. Therefore, this variant has been classified as Likely Pathogenic.

Literature cited by the submitters: PubMed 16199547; PubMed 16770791; PubMed 25007885.

NM_004006.3(DMD):c.10224-6_10249delinsACT

Gene: DMD (dystrophin; minus strand). Cytogenetic location: Xp21.2.
Variant type: Indel.
Coding change: c.10224-6_10249delinsACT on transcript NM_004006.3 (MANE Select); 6 bases into the intron before coding-DNA position 10224 through coding-DNA position 10249, the reference bases replaced by ACT.
Molecular consequence: splice acceptor variant. On other transcripts: intron variant (5).
Genome position (GRCh38, 1-based): chrX:31,177,945-31,177,976, 32 bases replaced. GRCh37 (hg19): chrX:31,196,062-31,196,093.
Other names: c.10200-6_10225delinsACT (NM_000109.4); c.6201-6_6226delinsACT (NM_004011.4); c.6192-6_6217delinsACT (NM_004012.4); c.2843+693_2843+724delinsACT (NM_004023.3, NM_004020.4, NM_004022.3); c.2844-6_2869delinsACT (NM_004021.3, NM_004013.3); c.2037-6_2062delinsACT (NM_004014.3); c.1019+693_1019+724delinsACT (NM_004018.3, NM_004017.3); c.1020-6_1045delinsACT (NM_004016.3, NM_004015.3); and 2 more.
Identifiers: ClinVar variation 2835185 (VCV002835185.3), dbSNP rs2519909751, ClinGen allele CA2739268153.